The following is an entry in ClinVar:

NM_003242.6(TGFBR2):c.94+16273G>A

Gene: TGFBR2 (transforming growth factor beta receptor 2; plus strand). Cytogenetic location: 3p24.1.
Variant type: single nucleotide variant.
Coding change: c.94+16273G>A on transcript NM_003242.6 (MANE Select); 16273 bases into the intron after coding-DNA position 94, G replaced by A.
Molecular consequence: intron variant. On other transcripts: missense variant (5).
Genome position (GRCh38, 1-based): chr3:30,623,250, G>A. VCF-style: chr3-30623250-G-A. GRCh37 (hg19) VCF-style: chr3-30664742-G-A.
Other names: c.146G>A, p.Arg49Lys (NM_001024847.3, NM_001407126.1, NM_001407137.1 and 1 more transcripts); c.98G>A, p.Arg33Lys (NM_001407128.1); c.-138G>A (NM_001407133.1); c.-148G>A (NM_001407136.1); short protein forms R49K, R33K.
Identifiers: ClinVar variation 392457 (VCV000392457.14), dbSNP rs781529108, ClinGen allele CA050430.

ClinVar aggregate classification (germline): Conflicting classifications of pathogenicity. Review status: criteria provided, conflicting classifications (1 of 4 stars). 7 submissions from 7 submitters: Uncertain significance (2); Uncertain risk allele (1); Likely benign (2). 2 of the submissions do not count toward it. Last evaluated 2026-07-07.

Conditions:
Diabetic retinopathy. Identifiers: MedGen C0011884, MONDO:0005266.
Familial thoracic aortic aneurysm and aortic dissection (TAAD). Also called: Thoracic aortic aneurysms and dissections. Identifiers: Orphanet 91387, MedGen C4707243, MONDO:0019625.

Allele frequency attached by ClinVar (database versions not stated): TOPMed 0.00002; ExAC 0.00003; gnomAD 0.00003; gnomAD exomes 0.00002.
gnomAD v4.1: 30 of 1,613,578 alleles (0.0019%); highest among the groups gnomAD compares: Non-Finnish European, 0.0024%; no homozygotes.

Submissions (7):

Ambry Genetics
Classification: Uncertain significance for Familial thoracic aortic aneurysm and aortic dissection. Last evaluated: 2026-07-07. Review status: criteria provided, single submitter. Criteria: Ambry Variant Classification Scheme 2023. Collection method: clinical testing. Allele origin: germline.
Comment: The p.R49K variant (also known as c.146G>A), located in coding exon 2 of the TGFBR2 gene, results from a G to A substitution at nucleotide position 146. The arginine at codon 49 is replaced by lysine, an amino acid with highly similar properties. This amino acid position is conserved. In addition, this alteration is predicted to be tolerated by in silico analysis. Based on the available evidence, the clinical significance of this variant remains unclear.

CeGaT Center for Human Genetics Tuebingen
Classification: Likely benign. Last evaluated: 2026-07-01. Review status: criteria provided, single submitter. Criteria: CeGaT Center For Human Genetics Tuebingen Variant Classification Criteria Version 2. Collection method: clinical testing. Allele origin: germline. Affected: yes. Observed: 2 variant alleles.
Comment: TGFBR2: BP4

Blueprint Genetics
Classification: Likely benign. Last evaluated: 2024-09-17. Review status: criteria provided, single submitter. Criteria: ACMG Guidelines, 2015. Collection method: clinical testing. Allele origin: germline.

GeneDx
Classification: Uncertain significance. Last evaluated: 2017-11-13. Review status: criteria provided, single submitter. Criteria: GeneDx Variant Classification (06012015). Collection method: clinical testing. Allele origin: germline. Affected: yes.
Comment: The R49K variant of uncertain significance in an alternate transcript of the TGFBR2 gene has not been published as pathogenic or been reported as benign to our knowledge. This variant has been observed in 4/124,190 alleles from individuals of European (non-Finnish) ancestry in large population cohorts (Lek et al., 2016). The R49K variant is a conservative amino acid substitution, which is not likely to impact secondary protein structure as these residues share similar properties. In addition, in-silico analyses, including protein predictors and evolutionary conservation, support that this variant does not alter protein structure/function.

Clinical Genomics, Uppaluri K&H Personalized Medicine Clinic
Classification: Uncertain risk allele for Diabetic retinopathy. Review status: criteria provided, single submitter. Criteria: K And H Uppaluri Personalized Medicine Clinic Variant Classification And Assertion Criteria Updated V 2. Collection method: research. Allele origin: unknown.
Comment: Potent mutations in TGFBR2 gene encodes the transforming growth factor that have been associated with angiogenesis and diabetic retinopathy. More clinical studies are needed for stronger association. However, more evidence is required to confer the association of this particular variant rs781529108 with diabetic retinopathy.

Genome Diagnostics Laboratory, Amsterdam University Medical Center
Classification: Uncertain significance. Review status: no assertion criteria provided. Collection method: clinical testing. Allele origin: germline. Affected: yes. Study: VKGL Data-share Consensus. Not counted in ClinVar's aggregate classification.

Laboratory of Diagnostic Genome Analysis, Leiden University Medical Center (LUMC)
Classification: Uncertain significance. Review status: no assertion criteria provided. Collection method: clinical testing. Allele origin: germline. Affected: yes. Study: VKGL Data-share Consensus. Not counted in ClinVar's aggregate classification.

Literature cited by the submitters: PubMed 30222965 (cited by Clinical Genomics, Uppaluri K&H Personalized Medicine Clinic); PubMed 28162229 (cited by Clinical Genomics, Uppaluri K&H Personalized Medicine Clinic); PubMed 34572573 (cited by Clinical Genomics, Uppaluri K&H Personalized Medicine Clinic).